The following is an entry in ClinVar:

NM_023110.3(FGFR1):c.17G>C (p.Cys6Ser)

Gene: FGFR1 (fibroblast growth factor receptor 1; minus strand). Cytogenetic location: 8p11.23.
Variant type: single nucleotide variant.
Coding change: c.17G>C on transcript NM_023110.3 (MANE Select); coding-DNA position 17, G replaced by C.
Protein change: p.Cys6Ser; replaces cysteine 6 with serine.
Molecular consequence: missense variant. On other transcripts: 5 prime UTR variant (1).
Genome position (GRCh38, 1-based): chr8:38,457,430, C>G on the plus strand (G>C on the coding strand, the complement: FGFR1 is on the minus strand). VCF-style: chr8-38457430-C-G. GRCh37 (hg19) VCF-style: chr8-38314948-C-G.
Other names: c.17G>C, p.Cys6Ser (NM_000604.2, NM_001174063.2, NM_001174065.2 and 9 more transcripts); c.-76G>C (NM_001174064.2); c.116G>C, p.Cys39Ser (NM_001174067.2); short protein forms C39S, C6S.
Identifiers: ClinVar variation 2941595 (VCV002941595.3), dbSNP rs2151346848, ClinGen allele CA370767262.

ClinVar aggregate classification (germline): Uncertain significance (1 of 4 stars; one submission).

Conditions:
Hypogonadotropic hypogonadism 2 with or without anosmia (HH2). Also called: FGFR1-Related GnRH Deficiency (Kallmann Syndrome 2); HYPOGONADOTROPIC HYPOGONADISM 2 WITH OR WITHOUT ANOSMIA, SUSCEPTIBILITY TO; HYPOGONADOTROPIC HYPOGONADISM 2 WITHOUT ANOSMIA, SUSCEPTIBILITY TO; HYPOGONADOTROPIC HYPOGONADISM 2 WITHOUT ANOSMIA. Identifiers: Orphanet 478, MedGen C1563720, MONDO:0007844, OMIM 147950. Disease mechanism: loss of function.
Pfeiffer syndrome (ACS5). Also called: ACS V. Identifiers: Orphanet 710, MedGen C0220658, MONDO:0007043, OMIM 101600.

Submission:

Labcorp Genetics (formerly Invitae), Labcorp
Classification: Uncertain significance for Pfeiffer syndrome; Hypogonadotropic hypogonadism 2 with or without anosmia. Last evaluated: 2022-12-05. Review status: criteria provided, single submitter. Criteria: Invitae Variant Classification Sherloc (09022015). Collection method: clinical testing. Allele origin: germline.
Comment: In summary, the available evidence is currently insufficient to determine the role of this variant in disease. Therefore, it has been classified as a Variant of Uncertain Significance. Advanced modeling of protein sequence and biophysical properties (such as structural, functional, and spatial information, amino acid conservation, physicochemical variation, residue mobility, and thermodynamic stability) performed at Invitae indicates that this missense variant is not expected to disrupt FGFR1 protein function. This variant has not been reported in the literature in individuals affected with FGFR1-related conditions. This variant is not present in population databases (gnomAD no frequency). This sequence change replaces cysteine, which is neutral and slightly polar, with serine, which is neutral and polar, at codon 6 of the FGFR1 protein (p.Cys6Ser).